The following is an entry in ClinVar:

NM_007294.4(BRCA1):c.1082C>G (p.Ser361Ter)

Gene: BRCA1 (BRCA1 DNA repair associated; minus strand). Cytogenetic location: 17q21.31.
Variant type: single nucleotide variant.
Coding change: c.1082C>G on transcript NM_007294.4 (MANE Select); coding-DNA position 1082, C replaced by G.
Protein change: p.Ser361Ter; replaces serine 361 with a stop codon.
Molecular consequence: nonsense. On other transcripts: intron variant (137).
Genome position (GRCh38, 1-based): chr17:43,094,449, G>C on the plus strand (C>G on the coding strand, the complement: BRCA1 is on the minus strand). VCF-style: chr17-43094449-G-C. GRCh37 (hg19) VCF-style: chr17-41246466-G-C.
Other names: 1201C>G; c.1082C>G, p.Ser361Ter (NM_001407594.1, NM_001407596.1, NM_001407597.1 and 30 more transcripts); c.1079C>G, p.Ser360Ter (NM_001407610.1, NM_001407611.1, NM_001407612.1 and 22 more transcripts); c.1073C>G, p.Ser358Ter (NM_001407646.1, NM_001407647.1); c.959C>G, p.Ser320Ter (NM_001407648.1, NM_001407664.1, NM_001407665.1 and 19 more transcripts); c.956C>G, p.Ser319Ter (NM_001407649.1, NM_001407670.1, NM_001407671.1 and 11 more transcripts); c.1004C>G, p.Ser335Ter (NM_001407653.1, NM_001407654.1, NM_001407655.1 and 4 more transcripts); c.1001C>G, p.Ser334Ter (NM_001407659.1, NM_001407660.1, NM_001407661.1 and 1 more transcripts); and 41 more; short protein forms S361*, S314*, S293*, S319*, S334*, S249*, S250*, S273*.
Identifiers: ClinVar variation 54121 (VCV000054121.18), dbSNP rs397508833, ClinGen allele CA000726.

ClinVar aggregate classification (germline): Pathogenic. Review status: reviewed by expert panel (3 of 4 stars). 4 submissions from 4 submitters: Pathogenic (1). 3 of the submissions do not count toward it. Last evaluated 2016-10-18.

Conditions:
Hereditary cancer-predisposing syndrome. Also called: Tumor predisposition; Neoplastic Syndromes, Hereditary; Hereditary Cancer Syndrome; Hereditary neoplastic syndrome. Identifiers: Orphanet 140162, MedGen C0027672, MeSH D009386, MONDO:0015356.
Hereditary breast ovarian cancer syndrome. Also called: Hereditary breast and ovarian cancer syndrome (HBOC); Hereditary breast and ovarian cancer syndrome; Hereditary breast and ovarian cancer; Hereditary breast and/or ovarian cancer syndrome; Breast and ovarian cancer; BRCA1- and BRCA2-Associated Hereditary Breast and Ovarian Cancer. Identifiers: Orphanet 145, MedGen C0677776, MeSH D061325, MONDO:0003582. Disease mechanism: loss of function.
Breast-ovarian cancer, familial, susceptibility to, 1 (BROVCA1). Also called: OVARIAN CANCER, SUSCEPTIBILITY TO; BRCA1 Hereditary Breast and Ovarian Cancer. Identifiers: Orphanet 145, MedGen C2676676, MONDO:0011450, OMIM 604370. Disease mechanism: loss of function.

Allele frequency attached by ClinVar (database versions not stated): gnomAD exomes below 0.00001.
gnomAD v4.1: 1 of 1,614,026 alleles (0.000062%); highest among the groups gnomAD compares: Non-Finnish European, 0.000085%; no homozygotes.

Submissions (4):

Evidence-based Network for the Interpretation of Germline Mutant Alleles (ENIGMA)
Classification: Pathogenic for Breast-ovarian cancer, familial, susceptibility to, 1. Last evaluated: 2016-10-18. Review status: reviewed by expert panel. Criteria: ENIGMA BRCA1/2 Classification Criteria (2015). Collection method: curation. Allele origin: germline.
Comment: Variant allele predicted to encode a truncated non-functional protein.

Labcorp Genetics (formerly Invitae), Labcorp
Classification: Pathogenic for Hereditary breast ovarian cancer syndrome. Last evaluated: 2019-06-20. Review status: criteria provided, single submitter. Criteria: Invitae Variant Classification Sherloc (09022015). Collection method: clinical testing. Allele origin: germline. Not counted in ClinVar's aggregate classification.
Comment: This variant is not present in population databases (ExAC no frequency). This sequence change creates a premature translational stop signal (p.Ser361*) in the BRCA1 gene. It is expected to result in an absent or disrupted protein product. This variant has been observed in individuals and families affected with breast cancer and/or ovarian cancer (PMID: 19377795, 29446198). This variant is also known as C1201G in the literature. ClinVar contains an entry for this variant (Variation ID: 54121). For these reasons, this variant has been classified as Pathogenic. Loss-of-function variants in BRCA1 are known to be pathogenic (PMID: 20104584).

Ambry Genetics
Classification: Pathogenic for Hereditary cancer-predisposing syndrome. Last evaluated: 2019-03-25. Review status: criteria provided, single submitter. Criteria: Ambry Variant Classification Scheme 2023. Collection method: clinical testing. Allele origin: germline. Not counted in ClinVar's aggregate classification.
Comment: The p.S361* pathogenic mutation (also known as c.1082C>G), located in coding exon 9 of the BRCA1 gene, results from a C to G substitution at nucleotide position 1082. This changes the amino acid from a serine to a stop codon within coding exon 9. This alteration has been previously identified in Brazilian and European breast/ovarian cohorts (Esteves VF et al. Braz. J. Med. Biol. Res., 2009 May;42:453-7; Rebbeck TR et al. Hum. Mutat., 2018 05;39:593-620). Of note, this alteration is also designated C1201G in the published literature. In addition to the clinical data presented in the literature, this alteration is expected to result in loss of function by premature protein truncation or nonsense-mediated mRNA decay. As such, this alteration is interpreted as a disease-causing mutation.

Consortium of Investigators of Modifiers of BRCA1/2 (CIMBA), c/o University of Cambridge
Classification: Pathogenic for Breast-ovarian cancer, familial, susceptibility to, 1. Last evaluated: 2015-10-02. Review status: criteria provided, single submitter. Criteria: CIMBA Mutation Classification guidelines May 2016. Collection method: clinical testing. Allele origin: germline. Not counted in ClinVar's aggregate classification.

Literature cited by the submitters: PubMed 19377795 (cited by Labcorp Genetics (formerly Invitae), Labcorp and Ambry Genetics); PubMed 29446198 (cited by Labcorp Genetics (formerly Invitae), Labcorp and Ambry Genetics); PubMed 20104584 (cited by Labcorp Genetics (formerly Invitae), Labcorp); PubMed 28918466 (cited by Ambry Genetics).